The following is an entry in ClinVar:

NM_004260.4(RECQL4):c.394A>G (p.Arg132Gly)

Gene: RECQL4 (RecQ like helicase 4; minus strand). Cytogenetic location: 8q24.3.
Variant type: single nucleotide variant.
Coding change: c.394A>G on transcript NM_004260.4 (MANE Select); coding-DNA position 394, A replaced by G.
Protein change: p.Arg132Gly; replaces arginine 132 with glycine.
Molecular consequence: missense variant.
Genome position (GRCh38, 1-based): chr8:144,516,725, T>C on the plus strand (A>G on the coding strand, the complement: RECQL4 is on the minus strand). VCF-style: chr8-144516725-T-C. GRCh37 (hg19) VCF-style: chr8-145742109-T-C.
Other names: short protein forms R132G.
Identifiers: ClinVar variation 1362145 (VCV001362145.5), dbSNP rs929989281, ClinGen allele CA187689956.

ClinVar aggregate classification (germline): Uncertain significance (1 of 4 stars; one submission).

Conditions:
Baller-Gerold syndrome (BGS). Also called: CRANIOSYNOSTOSIS WITH RADIAL DEFECTS. Identifiers: Orphanet 1225, MedGen C0265308, MONDO:0009039, OMIM 218600.

Allele frequency attached by ClinVar (database versions not stated): gnomAD exomes below 0.00001.
gnomAD v4.1: 5 of 1,535,742 alleles (0.00033%); highest among the groups gnomAD compares: Middle Eastern, 0.018%; no homozygotes.

Submission:

Labcorp Genetics (formerly Invitae), Labcorp
Classification: Uncertain significance for Baller-Gerold syndrome. Last evaluated: 2023-11-16. Review status: criteria provided, single submitter. Criteria: Invitae Variant Classification Sherloc (09022015). Collection method: clinical testing. Allele origin: germline.
Comment: This sequence change replaces arginine, which is basic and polar, with glycine, which is neutral and non-polar, at codon 132 of the RECQL4 protein (p.Arg132Gly). This variant is not present in population databases (gnomAD no frequency). This variant has not been reported in the literature in individuals affected with RECQL4-related conditions. ClinVar contains an entry for this variant (Variation ID: 1362145). Advanced modeling of protein sequence and biophysical properties (such as structural, functional, and spatial information, amino acid conservation, physicochemical variation, residue mobility, and thermodynamic stability) performed at Invitae indicates that this missense variant is not expected to disrupt RECQL4 protein function with a negative predictive value of 80%. In summary, the available evidence is currently insufficient to determine the role of this variant in disease. Therefore, it has been classified as a Variant of Uncertain Significance.